The following is an entry in ClinVar:

NM_007294.4(BRCA1):c.179A>C (p.Gln60Pro)

Gene: BRCA1 (BRCA1 DNA repair associated; minus strand). Cytogenetic location: 17q21.31.
Variant type: single nucleotide variant.
Coding change: c.179A>C on transcript NM_007294.4 (MANE Select); coding-DNA position 179, A replaced by C.
Protein change: p.Gln60Pro; replaces glutamine 60 with proline.
Molecular consequence: missense variant. On other transcripts: non-coding transcript variant (1).
Genome position (GRCh38, 1-based): chr17:43,106,489, T>G on the plus strand (A>C on the coding strand, the complement: BRCA1 is on the minus strand). VCF-style: chr17-43106489-T-G. GRCh37 (hg19) VCF-style: chr17-41258506-T-G.
Other names: c.-10A>C (NM_001407571.1, NM_001407853.1, NM_001407879.1 and 58 more transcripts); c.179A>C, p.Gln60Pro (NM_001407581.1, NM_001407582.1, NM_001407583.1 and 168 more transcripts); c.38A>C, p.Gln13Pro (NM_001407692.1, NM_001407694.1, NM_001407695.1 and 99 more transcripts); short protein forms Q13P, Q60P.
Identifiers: ClinVar variation 867306 (VCV000867306.3), dbSNP rs373655067, ClinGen allele CA10601804.

Conditions:
Breast-ovarian cancer, familial, susceptibility to, 1 (BROVCA1). Also called: BRCA1 Hereditary Breast and Ovarian Cancer; OVARIAN CANCER, SUSCEPTIBILITY TO. Identifiers: Orphanet 145, MedGen C2676676, MONDO:0011450, OMIM 604370. Disease mechanism: loss of function.

gnomAD v4.1: 2 of 1,604,960 alleles (0.00012%); no homozygotes.

Submission:

Brotman Baty Institute, University of Washington
No classification provided (evidence only). Condition: Breast-ovarian cancer, familial 1. Review status: no classification provided. Collection method: in vitro. Allele origin: not applicable. Functional consequence: functionally_normal.
ClinVar note: "not provided" was previously submitted as the classification for the variant. However, the classification appeared to be based only on an observation of functional data so it was converted to no classification on 2025-07-30.